The following is an entry in ClinVar:

ClinVar aggregate classification (germline): Uncertain significance (1 of 4 stars; one submission).

Submission:

GeneDx
Classification: Uncertain significance. Last evaluated: 2026-02-26. Review status: criteria provided, single submitter. Criteria: GeneDx Variant Classification Process June 2021. Collection method: clinical testing. Allele origin: germline.
Comment: Not observed at significant frequency in large population cohorts (gnomAD); In silico analysis supports that this missense variant has a deleterious effect on protein structure/function; Has not been previously published as pathogenic or benign to our knowledge

NM_015057.5(MYCBP2):c.13978C>T (p.Pro4660Ser)

Gene: MYCBP2 (MYC binding protein 2; minus strand). Cytogenetic location: 13q22.3.
Variant type: single nucleotide variant.
Coding change: c.13978C>T on transcript NM_015057.5 (MANE Select); coding-DNA position 13978, C replaced by T.
Protein change: p.Pro4660Ser; replaces proline 4660 with serine.
Molecular consequence: missense variant.
Genome position (GRCh38, 1-based): chr13:77,045,437, G>A on the plus strand (C>T on the coding strand, the complement: MYCBP2 is on the minus strand). VCF-style: chr13-77045437-G-A. GRCh37 (hg19) VCF-style: chr13-77619572-G-A.
Other names: short protein forms P4660S.
Identifiers: ClinVar variation 5009999 (VCV005009999.1).